The following is an entry in ClinVar:

NM_000829.4(GRIA4):c.487+44507A>C

Gene: GRIA4 (glutamate ionotropic receptor AMPA type subunit 4; plus strand). Cytogenetic location: 11q22.3.
Variant type: single nucleotide variant.
Coding change: c.487+44507A>C on transcript NM_000829.4 (MANE Select); 44507 bases into the intron after coding-DNA position 487, A replaced by C.
Molecular consequence: intron variant.
Genome position (GRCh38, 1-based): chr11:105,797,727, A>C. VCF-style: chr11-105797727-A-C. GRCh37 (hg19) VCF-style: chr11-105668453-A-C.
Other names: c.487+44507A>C (NM_001077243.3, NM_001077244.2, NM_001112812.2).
Identifiers: ClinVar variation 2642333 (VCV002642333.24), dbSNP rs76755411, ClinGen allele CA6258383.
Genomic context (GRCh38, chr11:105,797,727, plus strand): 5'-GCTACCTTTTCTGAAACTATAATGAGTTTCTTTGTGTCTTGTTCATTTCTCTTTTGTAGG[A>C]CTTGTAATCAGTACCACACCATTGGCAAGTAATTGTATGCCAAGTTCTGTTGTTCACTCT-3'

ClinVar aggregate classification (germline): Benign (1 of 4 stars; one submission).

Allele frequency attached by ClinVar (database versions not stated): ExAC 0.00016; gnomAD exomes 0.00031; gnomAD 0.00310; 1000 Genomes Project 30x 0.00328; 1000 Genomes Project 0.00339; TOPMed 0.00349.
gnomAD v4.1: 543 of 411,954 alleles (0.13%); highest among the groups gnomAD compares: African/African-American, 1.1%; 8 homozygotes.

Submission:

CeGaT Center for Human Genetics Tuebingen
Classification: Benign. Last evaluated: 2022-10-01. Review status: criteria provided, single submitter. Criteria: CeGaT Center For Human Genetics Tuebingen Variant Classification Criteria Version 2. Collection method: clinical testing. Allele origin: germline. Affected: yes. Observed: 1 variant allele.
Comment: GRIA4: BS1, BS2